The following is an entry in ClinVar:

NM_021930.6(RINT1):c.1654G>C (p.Asp552His)

Gene: RINT1 (RAD50 interactor 1; plus strand). Cytogenetic location: 7q22.3.
Variant type: single nucleotide variant.
Coding change: c.1654G>C on transcript NM_021930.6 (MANE Select); coding-DNA position 1654, G replaced by C.
Protein change: p.Asp552His; replaces aspartic acid 552 with histidine.
Molecular consequence: missense variant.
Genome position (GRCh38, 1-based): chr7:105,555,210, G>C. VCF-style: chr7-105555210-G-C. GRCh37 (hg19) VCF-style: chr7-105195657-G-C.
Other names: c.1420G>C, p.Asp474His (NM_001346599.2); c.631G>C, p.Asp211His (NM_001346600.2, NM_001346603.2); c.730G>C, p.Asp244His (NM_001346601.2); short protein forms D552H, D244H, D474H, D211H.
Identifiers: ClinVar variation 641090 (VCV000641090.11), dbSNP rs1586250839, ClinGen allele CA368811987.

ClinVar aggregate classification (germline): Uncertain significance. Review status: criteria provided, multiple submitters, no conflicts (2 of 4 stars). 2 submissions from 2 submitters: Uncertain significance (2). Last evaluated 2021-11-03.

Submissions (2):

Institute for Clinical Genetics, University Hospital TU Dresden, University Hospital TU Dresden
Classification: Uncertain significance. Last evaluated: 2021-11-03. Review status: criteria provided, single submitter. Criteria: ACMG Guidelines, 2015. Collection method: clinical testing. Allele origin: germline.

Labcorp Genetics (formerly Invitae), Labcorp
Classification: Uncertain significance. Last evaluated: 2018-12-16. Review status: criteria provided, single submitter. Criteria: Invitae Variant Classification Sherloc (09022015). Collection method: clinical testing. Allele origin: germline.
Comment: Algorithms developed to predict the effect of missense changes on protein structure and function are either unavailable or do not agree on the potential impact of this missense change (SIFT: "Deleterious"; PolyPhen-2: "Probably Damaging"; Align-GVGD: "Class C0"). In summary, the available evidence is currently insufficient to determine the role of this variant in disease. Therefore, it has been classified as a Variant of Uncertain Significance. This variant has not been reported in the literature in individuals with RINT1-related conditions. This variant is not present in population databases (ExAC no frequency). This sequence change replaces aspartic acid with histidine at codon 552 of the RINT1 protein (p.Asp552His). The aspartic acid residue is highly conserved and there is a moderate physicochemical difference between aspartic acid and histidine.